The following is an entry in ClinVar:

NM_000153.4(GALC):c.1178del (p.Lys393fs)

Gene: GALC (galactosylceramidase; minus strand). Cytogenetic location: 14q31.3.
Variant type: Deletion.
Coding change: c.1178del on transcript NM_000153.4 (MANE Select); coding-DNA position 1178, one base deleted (A; older notation c.1178delA).
Protein change: p.Lys393fs; shifts the reading frame from lysine 393.
Molecular consequence: frameshift variant.
Genome position (GRCh38, 1-based): chr14:87,950,732, T deleted on the plus strand (A on the coding strand, the reverse complement: GALC is on the minus strand); the first of 2 consecutive T bases (chr14:87,950,732-87,950,733); deleting either gives the same sequence. VCF-style (leftmost placement, unchanged base first): chr14-87950731-CT-C. GRCh37 (hg19) VCF-style: chr14-88417075-CT-C.
Other names: c.1109del, p.Lys370fs (NM_001201401.2); c.1100del, p.Lys367fs (NM_001201402.2); short protein forms K367fs, K370fs, K393fs.
Identifiers: ClinVar variation 1724665 (VCV001724665.2), dbSNP rs2503376348, ClinGen allele CA2580088886.

ClinVar aggregate classification (germline): Likely pathogenic (1 of 4 stars; one submission).

Conditions:
Galactosylceramide beta-galactosidase deficiency. Also called: GALACTOCEREBROSIDASE DEFICIENCY; GALC DEFICIENCY; GLOBOID CELL LEUKOENCEPHALOPATHY; Leukodystrophy, Globoid Cell; Krabbe Disease. Identifiers: Orphanet 487, MedGen C0023521, MONDO:0009499, OMIM 245200.

Submission:

Myriad Genetics, Inc.
Classification: Likely pathogenic for Galactosylceramide beta-galactosidase deficiency. Last evaluated: 2022-02-25. Review status: criteria provided, single submitter. Criteria: Myriad Women's Health Autosomal Recessive and X-Linked Classification Criteria (2021). Collection method: clinical testing. Allele origin: unknown.
Comment: NM_000153.3(GALC):c.1178delA(K393Sfs*64) is expected to be pathogenic in the context of Krabbe disease. This variant is predicted to lead to an abnormal or absent protein product due to the creation of a premature termination codon in GALC, a gene where loss-of-function variants are known to be pathogenic. Please note: this variant was assessed in the context of healthy population screening.